The following is an entry in ClinVar:

NM_000089.4(COL1A2):c.3958A>C (p.Lys1320Gln)

Gene: COL1A2 (collagen type I alpha 2 chain; plus strand). Cytogenetic location: 7q21.3.
Variant type: single nucleotide variant.
Coding change: c.3958A>C on transcript NM_000089.4 (MANE Select); coding-DNA position 3958, A replaced by C.
Protein change: p.Lys1320Gln; replaces lysine 1320 with glutamine.
Molecular consequence: missense variant.
Genome position (GRCh38, 1-based): chr7:94,430,250, A>C. VCF-style: chr7-94430250-A-C. GRCh37 (hg19) VCF-style: chr7-94059562-A-C.
Other names: short protein forms K1320Q.
Identifiers: ClinVar variation 3751969 (VCV003751969.3).

ClinVar aggregate classification (germline): Uncertain significance. Review status: criteria provided, multiple submitters, no conflicts (2 of 4 stars). 2 submissions from 2 submitters: Uncertain significance (2). Last evaluated 2026-06-22.

Conditions:
Cardiovascular phenotype. Identifiers: MedGen CN230736.
Ehlers-Danlos syndrome, classic type, 1 (EDSCL1). Also called: EDS I; Ehlers-Danlos Syndrome, Classic Type, COL5A1-Related; EHLERS-DANLOS SYNDROME, GRAVIS TYPE; EHLERS-DANLOS SYNDROME, SEVERE CLASSIC TYPE; Ehlers-Danlos syndrome, type 1. Identifiers: MedGen C0268335, MONDO:0019567, OMIM 130000.
Osteogenesis imperfecta type I (OI1). Also called: Lobstein disease; OI, TYPE I; OSTEOGENESIS IMPERFECTA TARDA; OSTEOGENESIS IMPERFECTA WITH BLUE SCLERAE; Osteogenesis imperfecta type 1; Lobstein's Disease. Identifiers: Orphanet 216796, Orphanet 666, MedGen C0023931, MONDO:0008146, OMIM 166200. Disease mechanism: loss of function.

gnomAD v4.1: 7 of 1,613,924 alleles (0.00043%); highest among the groups gnomAD compares: Non-Finnish European, 0.00059%; no homozygotes.

Submissions (2):

Ambry Genetics
Classification: Uncertain significance for Cardiovascular phenotype. Last evaluated: 2026-06-22. Review status: criteria provided, single submitter. Criteria: Ambry Variant Classification Scheme 2023. Collection method: clinical testing. Allele origin: germline.
Comment: The c.3958A>C (p.K1320Q) alteration is located in exon 52 (coding exon 52) of the COL1A2 gene. This alteration results from a A to C substitution at nucleotide position 3958, causing the lysine (K) at amino acid position 1320 to be replaced by a glutamine (Q). Based on data from gnomAD, the C allele has an overall frequency of <0.001% (1/250948) total alleles studied. The highest observed frequency was 0.001% (1/113346) of European (non-Finnish) alleles. Based on insufficient or conflicting evidence, the clinical significance of this alteration remains unclear.

Labcorp Genetics (formerly Invitae), Labcorp
Classification: Uncertain significance for Osteogenesis imperfecta type I; Ehlers-Danlos syndrome, classic type, 1. Last evaluated: 2024-06-03. Review status: criteria provided, single submitter. Criteria: Invitae Variant Classification Sherloc (09022015). Collection method: clinical testing. Allele origin: germline.
Comment: This sequence change replaces lysine, which is basic and polar, with glutamine, which is neutral and polar, at codon 1320 of the COL1A2 protein (p.Lys1320Gln). This variant is present in population databases (no rsID available, gnomAD 0.0009%). This variant has not been reported in the literature in individuals affected with COL1A2-related conditions. Advanced modeling of protein sequence and biophysical properties (such as structural, functional, and spatial information, amino acid conservation, physicochemical variation, residue mobility, and thermodynamic stability) performed at Invitae indicates that this missense variant is not expected to disrupt COL1A2 protein function with a negative predictive value of 95%. In summary, the available evidence is currently insufficient to determine the role of this variant in disease. Therefore, it has been classified as a Variant of Uncertain Significance.